The following is an entry in ClinVar:

NC_000015.9:g.(?_51529046)_(51547938_?)del

Gene: CYP19A1 (cytochrome P450 family 19 subfamily A member 1; minus strand). Cytogenetic location: 15q21.2.
Variant type: Deletion.
Identifiers: ClinVar variation 1459656 (VCV001459656.4).

ClinVar aggregate classification (germline): Pathogenic (1 of 4 stars; one submission).

Submission:

Labcorp Genetics (formerly Invitae), Labcorp
Classification: Pathogenic. Last evaluated: 2021-10-14. Review status: criteria provided, single submitter. Criteria: Invitae Variant Classification Sherloc (09022015). Collection method: clinical testing. Allele origin: germline.
Comment: For these reasons, this variant has been classified as Pathogenic. This variant has not been reported in the literature in individuals affected with CYP19A1-related conditions. This variant is a gross deletion of the genomic region encompassing exon(s) 3-4 of the CYP19A1 gene, which includes the initiator codon. This deletion extends beyond the assayed region for this gene and therefore may encompass additional genes. It is expected to result in an absent or disrupted protein product. Loss-of-function variants in CYP19A1 are known to be pathogenic (PMID: 14602738, 27086564, 27256151).

Literature cited by the submitters: PubMed 14602738; PubMed 27086564; PubMed 27256151.